The following is an entry in ClinVar:

ClinVar aggregate classification (germline): Pathogenic (1 of 4 stars; one submission).

Submission:

Labcorp Genetics (formerly Invitae), Labcorp
Classification: Pathogenic. Last evaluated: 2022-08-19. Review status: criteria provided, single submitter. Criteria: Invitae Variant Classification Sherloc (09022015). Collection method: clinical testing. Allele origin: germline.
Comment: This variant is not present in population databases (gnomAD no frequency). For these reasons, this variant has been classified as Pathogenic. ClinVar contains an entry for this variant (Variation ID: 1416274). This variant has not been reported in the literature in individuals affected with TYMP-related conditions. This sequence change creates a premature translational stop signal (p.Gly46*) in the TYMP gene. It is expected to result in an absent or disrupted protein product. Loss-of-function variants in TYMP are known to be pathogenic (PMID: 9924029, 15781193).

Literature cited by the submitters: PubMed 9924029; PubMed 15781193.

NM_001953.5(TYMP):c.136G>T (p.Gly46Ter)

Gene: TYMP (thymidine phosphorylase; minus strand). Cytogenetic location: 22q13.33.
Variant type: single nucleotide variant.
Coding change: c.136G>T on transcript NM_001953.5 (MANE Select); coding-DNA position 136, G replaced by T.
Protein change: p.Gly46Ter; replaces glycine 46 with a stop codon.
Molecular consequence: nonsense.
Genome position (GRCh38, 1-based): chr22:50,529,574, C>A on the plus strand (G>T on the coding strand, the complement: TYMP is on the minus strand). VCF-style: chr22-50529574-C-A. GRCh37 (hg19) VCF-style: chr22-50968003-C-A.
Other names: c.136G>T, p.Gly46Ter (NM_001113755.3, NM_001113756.3, NM_001257988.1 and 1 more transcripts); short protein forms G46*.
Identifiers: ClinVar variation 1416274 (VCV001416274.6), dbSNP rs374043253, ClinGen allele CA412202688.